The following is an entry in ClinVar:

ClinVar aggregate classification (germline): Uncertain significance. Review status: criteria provided, multiple submitters, no conflicts (2 of 4 stars). 2 submissions from 2 submitters: Uncertain significance (2). Last evaluated 2026-03-03.

Conditions:
Dent disease type 2. Identifiers: Orphanet 1652, Orphanet 93623, MedGen C1845167, MONDO:0010359, OMIM 300555.
Lowe syndrome (OCRL). Also called: Oculocerebrorenal Syndrome; LOWE OCULOCEREBRORENAL SYNDROME; PHOSPHATIDYLINOSITOL 4,5-BISPHOSPHATE 5-PHOSPHATASE DEFICIENCY. Identifiers: Orphanet 534, MedGen C0028860, MONDO:0010645, OMIM 309000.

Submissions (2):

GeneDx
Classification: Uncertain significance. Last evaluated: 2026-03-03. Review status: criteria provided, single submitter. Criteria: GeneDx Variant Classification Process June 2021. Collection method: clinical testing. Allele origin: germline.
Comment: Not observed at significant frequency in large population cohorts (gnomAD); In silico analysis suggests that this missense variant does not alter protein structure/function; Has not been previously published as pathogenic or benign to our knowledge

Fulgent Genetics
Classification: Uncertain significance for Dent disease type 2; Lowe syndrome. Last evaluated: 2024-02-07. Review status: criteria provided, single submitter. Criteria: ACMG Guidelines, 2015. Collection method: clinical testing. Allele origin: germline.

NM_000276.4(OCRL):c.2575A>G (p.Met859Val)

Gene: OCRL (OCRL inositol polyphosphate-5-phosphatase; plus strand). Cytogenetic location: Xq26.1.
Variant type: single nucleotide variant.
Coding change: c.2575A>G on transcript NM_000276.4 (MANE Select); coding-DNA position 2575, A replaced by G.
Protein change: p.Met859Val; replaces methionine 859 with valine.
Molecular consequence: missense variant.
Genome position (GRCh38, 1-based): chrX:129,589,950, A>G. VCF-style: chrX-129589950-A-G. GRCh37 (hg19) VCF-style: chrX-128723927-A-G.
Other names: c.2575A>G (NM_000276.3); c.2578A>G, p.Met860Val (NM_001318784.2); c.2551A>G, p.Met851Val (NM_001587.4); short protein forms M859V, M860V, M851V.
Identifiers: ClinVar variation 3598030 (VCV003598030.2).
Genomic context (GRCh38, chrX:129,589,950, plus strand): 5'-TTGATGGCATTCCTTCGAGAACTCTTAAAATTCTCTGAATACAATAGCGTCAATGCCAAC[A>G]TGATCGGTAAGAGTGCTTCATGCAACACGGGGCGTTTGTTGAGAATACTCTTAGTGCATT-3'
Protein context (NP_000267.2, residues 849-869): FSEYNSVNAN[Met859Val]IATLFTSLLL